The following is an entry in ClinVar:

ClinVar aggregate classification (germline): Pathogenic. Review status: criteria provided, multiple submitters, no conflicts (2 of 4 stars). 2 submissions from 2 submitters: Pathogenic (2). Last evaluated 2024-08-09.

Conditions:
Ellis-van Creveld syndrome (EVC). Also called: MESOECTODERMAL DYSPLASIA; Chondroectodermal dysplasia. Identifiers: Orphanet 289, MedGen C0013903, MONDO:0009162, OMIM 225500.
Curry-Hall syndrome (WAD). Also called: WEYERS ACRODENTAL DYSOSTOSIS. Identifiers: Orphanet 952, MedGen C0457013, MONDO:0008673, OMIM 193530.

gnomAD v4.1: 2 of 1,614,220 alleles (0.00012%); highest among the groups gnomAD compares: Non-Finnish European, 0.00017%; no homozygotes.

Submissions (2):

Myriad Genetics, Inc.
Classification: Pathogenic for Ellis-van Creveld syndrome. Last evaluated: 2024-08-09. Review status: criteria provided, single submitter. Criteria: Myriad Autosomal Dominant, Autosomal Recessive and X-Linked Classification Criteria (2023). Collection method: clinical testing. Allele origin: unknown.
Comment: NM_153717.2(EVC):c.2382C>A(Y794*) is expected to be pathogenic in the context of EVC-related Ellis-van Creveld syndrome. This variant is predicted to lead to an abnormal or absent protein product due to the creation of a premature termination codon in EVC, a gene where loss-of-function variants are known to be pathogenic. Please note: this variant was assessed in the context of healthy population screening.

Labcorp Genetics (formerly Invitae), Labcorp
Classification: Pathogenic for Curry-Hall syndrome; Ellis-van Creveld syndrome. Last evaluated: 2023-03-19. Review status: criteria provided, single submitter. Criteria: Invitae Variant Classification Sherloc (09022015). Collection method: clinical testing. Allele origin: germline.
Comment: This sequence change creates a premature translational stop signal (p.Tyr794*) in the EVC gene. It is expected to result in an absent or disrupted protein product. Loss-of-function variants in EVC are known to be pathogenic (PMID: 23220543). This variant is not present in population databases (gnomAD no frequency). This variant has not been reported in the literature in individuals affected with EVC-related conditions. For these reasons, this variant has been classified as Pathogenic.

Literature cited by the submitters: PubMed 23220543 (cited by Labcorp Genetics (formerly Invitae), Labcorp).

NM_153717.3(EVC):c.2382C>A (p.Tyr794Ter)

Gene: EVC (EvC ciliary complex subunit 1; plus strand). Cytogenetic location: 4p16.2.
Variant type: single nucleotide variant.
Coding change: c.2382C>A on transcript NM_153717.3 (MANE Select); coding-DNA position 2382, C replaced by A.
Protein change: p.Tyr794Ter; replaces tyrosine 794 with a stop codon.
Molecular consequence: nonsense.
Genome position (GRCh38, 1-based): chr4:5,802,027, C>A. VCF-style: chr4-5802027-C-A. GRCh37 (hg19) VCF-style: chr4-5803754-C-A.
Other names: c.2382C>A, p.Tyr794Ter (NM_001306090.2); short protein forms Y794*.
Identifiers: ClinVar variation 2936632 (VCV002936632.4), dbSNP rs1276815916, ClinGen allele CA356146754.